The following is an entry in ClinVar:

ClinVar aggregate classification (germline): Likely benign (1 of 4 stars; one submission).

Submissions (9):

CeGaT Center for Human Genetics Tuebingen
Classification: Likely benign. Last evaluated: 2023-08-01. Review status: criteria provided, single submitter. Criteria: CeGaT Center For Human Genetics Tuebingen Variant Classification Criteria Version 2. Collection method: clinical testing. Allele origin: germline. Affected: yes. Observed: 1 variant allele.
Comment: MUC4: BP4, BS2

Dr. Peter K. Rogan Lab, Western University
No classification provided (evidence only). Condition: Clear cell carcinoma of kidney. Review status: no classification provided. Collection method: in vitro. Allele origin: not applicable. Functional consequence: retained intron. Not counted in ClinVar's aggregate classification.

Dr. Peter K. Rogan Lab, Western University
No classification provided (evidence only). Condition: Colon adenocarcinoma. Review status: no classification provided. Collection method: in vitro. Allele origin: not applicable. Functional consequence: retained intron. Not counted in ClinVar's aggregate classification.

Dr. Peter K. Rogan Lab, Western University
No classification provided (evidence only). Condition: Uterine corpus endometrial carcinoma. Review status: no classification provided. Collection method: in vitro. Allele origin: not applicable. Functional consequence: retained intron. Not counted in ClinVar's aggregate classification.

Dr. Peter K. Rogan Lab, Western University
No classification provided (evidence only). Condition: Cervical cancer. Review status: no classification provided. Collection method: in vitro. Allele origin: not applicable. Functional consequence: retained intron. Not counted in ClinVar's aggregate classification.

Dr. Peter K. Rogan Lab, Western University
No classification provided (evidence only). Condition: Cervical cancer. Review status: no classification provided. Collection method: in vitro. Allele origin: not applicable. Functional consequence: retained intron. Not counted in ClinVar's aggregate classification.

Dr. Peter K. Rogan Lab, Western University
No classification provided (evidence only). Condition: Cholangiocarcinoma. Review status: no classification provided. Collection method: in vitro. Allele origin: not applicable. Functional consequence: retained intron. Not counted in ClinVar's aggregate classification.

Dr. Peter K. Rogan Lab, Western University
No classification provided (evidence only). Condition: Cholangiocarcinoma. Review status: no classification provided. Collection method: in vitro. Allele origin: not applicable. Functional consequence: retained intron. Not counted in ClinVar's aggregate classification.

Dr. Peter K. Rogan Lab, Western University
No classification provided (evidence only). Condition: Malignant tumor of esophagus. Review status: no classification provided. Collection method: in vitro. Allele origin: not applicable. Functional consequence: retained intron. Not counted in ClinVar's aggregate classification.

NM_018406.7(MUC4):c.7320G>A (p.Ser2440=)

Gene: MUC4 (mucin 4, cell surface associated). Cytogenetic location: 3q29.
Variant type: single nucleotide variant.
Coding change: c.7320G>A on transcript NM_018406.7 (MANE Select); coding-DNA position 7320, G replaced by A.
Protein change: p.Ser2440=; no amino-acid change (serine 2440 retained).
Molecular consequence: synonymous variant. On other transcripts: genic upstream transcript variant (2), no sequence alteration (1).
Genome position (GRCh38, 1-based): chr3:195,784,260, C>T on the plus strand (G>A on the coding strand, the complement: MUC4 is on the minus strand). VCF-style: chr3-195784260-C-T. GRCh37 (hg19) VCF-style: chr3-195511131-C-T.
Other names: NC_000003.11:g.195511131C>T; c.83-9955G>A (NM_138297.5); c.83-5805G>A (NM_004532.6); c.10599=, p.Ser3533= (NM_001322468.1).
Identifiers: ClinVar variation 2654463 (VCV002654463.25), dbSNP rs71321826, ClinGen allele CA2772427.